The following is an entry in ClinVar:

NM_004820.5(CYP7B1):c.74C>A (p.Ala25Asp)

Gene: CYP7B1 (cytochrome P450 family 7 subfamily B member 1; minus strand). Cytogenetic location: 8q12.3.
Variant type: single nucleotide variant.
Coding change: c.74C>A on transcript NM_004820.5 (MANE Select); coding-DNA position 74, C replaced by A.
Protein change: p.Ala25Asp; replaces alanine 25 with aspartic acid.
Molecular consequence: missense variant.
Genome position (GRCh38, 1-based): chr8:64,798,514, G>T on the plus strand (C>A on the coding strand, the complement: CYP7B1 is on the minus strand). VCF-style: chr8-64798514-G-T. GRCh37 (hg19) VCF-style: chr8-65711071-G-T.
Other names: c.74C>A, p.Ala25Asp (NM_001324112.2); c.74C>A (NM_004820.3); short protein forms A25D.
Identifiers: ClinVar variation 2069181 (VCV002069181.2), dbSNP rs1018159021, ClinGen allele CA179061874.

ClinVar aggregate classification (germline): Uncertain significance. Review status: criteria provided, multiple submitters, no conflicts (2 of 4 stars). 2 submissions from 2 submitters: Uncertain significance (2). Last evaluated 2023-09-20.

Conditions:
Inborn genetic diseases. Identifiers: MedGen C0950123, MeSH D030342.
Spastic paraplegia. Identifiers: MedGen C0037772, HP:0001258.

gnomAD v4.1: 3 of 1,507,272 alleles (0.0002%); highest among the groups gnomAD compares: African/African-American, 0.0014%; no homozygotes.

Submissions (2):

Ambry Genetics
Classification: Uncertain significance for Inborn genetic diseases. Last evaluated: 2023-09-20. Review status: criteria provided, single submitter. Criteria: Ambry Variant Classification Scheme 2023. Collection method: clinical testing. Allele origin: germline.

Labcorp Genetics (formerly Invitae), Labcorp
Classification: Uncertain significance for Spastic paraplegia. Last evaluated: 2022-10-17. Review status: criteria provided, single submitter. Criteria: Invitae Variant Classification Sherloc (09022015). Collection method: clinical testing. Allele origin: germline.
Comment: This sequence change replaces alanine, which is neutral and non-polar, with aspartic acid, which is acidic and polar, at codon 25 of the CYP7B1 protein (p.Ala25Asp). This variant is not present in population databases (gnomAD no frequency). This variant has not been reported in the literature in individuals affected with CYP7B1-related conditions. Algorithms developed to predict the effect of missense changes on protein structure and function are either unavailable or do not agree on the potential impact of this missense change (SIFT: "Deleterious"; PolyPhen-2: "Possibly Damaging"; Align-GVGD: "Class C0"). In summary, the available evidence is currently insufficient to determine the role of this variant in disease. Therefore, it has been classified as a Variant of Uncertain Significance.